The following is an entry in ClinVar:

ClinVar aggregate classification (germline): Uncertain significance (1 of 4 stars; one submission).

Submission:

GeneDx
Classification: Uncertain significance. Last evaluated: 2023-07-02. Review status: criteria provided, single submitter. Criteria: GeneDx Variant Classification Process June 2021. Collection method: clinical testing. Allele origin: germline. Affected: yes.
Comment: Not observed at significant frequency in large population cohorts (gnomAD); In silico analysis supports that this missense variant has a deleterious effect on protein structure/function; Has not been previously published as pathogenic or benign to our knowledge

NM_003560.4(PLA2G6):c.70G>A (p.Val24Met)

Gene: PLA2G6 (phospholipase A2 group VI; minus strand). Cytogenetic location: 22q13.1.
Variant type: single nucleotide variant.
Coding change: c.70G>A on transcript NM_003560.4 (MANE Select); coding-DNA position 70, G replaced by A.
Protein change: p.Val24Met; replaces valine 24 with methionine.
Molecular consequence: missense variant. On other transcripts: 5 prime UTR variant (3).
Genome position (GRCh38, 1-based): chr22:38,169,357, C>T on the plus strand (G>A on the coding strand, the complement: PLA2G6 is on the minus strand). VCF-style: chr22-38169357-C-T. GRCh37 (hg19) VCF-style: chr22-38565364-C-T.
Other names: c.70G>A, p.Val24Met (NM_001004426.3, NM_001199562.3, NM_001349864.2 and 2 more transcripts); c.-596G>A (NM_001349867.2, NM_001349869.2); c.-421G>A (NM_001349868.2); short protein forms V24M.
Identifiers: ClinVar variation 3360196 (VCV003360196.1).
Genomic context (GRCh38, chr22:38,169,357, plus strand): 5'-GCTGCCCTTCCTCCCGAACTCGGTCACTCGAGGTGTAGTCGGCCACAGCCACCTCCTTCA[C>T]CCGGAATGGGTTAGAGAACAAGTTGGTGACGCCACTGAAGGTATTGACCAGGCGGCCAAA-3'
Protein context (NP_003551.2, residues 14-34): VTNLFSNPFR[Val24Met]KEVAVADYTS